The following is an entry in ClinVar:

NM_015425.6(POLR1A):c.2239G>A (p.Gly747Arg)

Gene: POLR1A (RNA polymerase I subunit A; minus strand). Cytogenetic location: 2p11.2.
Variant type: single nucleotide variant.
Coding change: c.2239G>A on transcript NM_015425.6 (MANE Select); coding-DNA position 2239, G replaced by A.
Protein change: p.Gly747Arg; replaces glycine 747 with arginine.
Molecular consequence: missense variant.
Genome position (GRCh38, 1-based): chr2:86,052,970, C>T on the plus strand (G>A on the coding strand, the complement: POLR1A is on the minus strand). VCF-style: chr2-86052970-C-T. GRCh37 (hg19) VCF-style: chr2-86280093-C-T.
Other names: short protein forms G747R.
Identifiers: ClinVar variation 4885369 (VCV004885369.2).

ClinVar aggregate classification (germline): Uncertain significance (1 of 4 stars; one submission).

gnomAD v4.1: 6 of 1,596,468 alleles (0.00038%); highest among the groups gnomAD compares: African/African-American, 0.0027%; no homozygotes.

Submission:

Dasa
Classification: Uncertain significance. Last evaluated: 2025-03-04. Review status: criteria provided, single submitter. Criteria: DASA Assertion Criteria. Collection method: clinical testing. Allele origin: germline.
Comment: NM_015425.6(POLR1A):c.2239G>A (p.Gly747Arg) is a missense variant that results in the substitution of glycine with arginine. This variant is rare in population databases. Computational prediction algorithms are consistent with a deleterious effect. The currently available literature and clinical evidence are not sufficient to establish a definitive association between this variant and the reported condition. Therefore, this variant is classified as a variant of uncertain significance.